The following is an entry in ClinVar:

ClinVar aggregate classification (germline): Pathogenic/Likely pathogenic. Review status: criteria provided, multiple submitters, no conflicts (2 of 4 stars). 4 submissions from 4 submitters: Pathogenic (2); Likely pathogenic (2). Last evaluated 2025-12-04.

Conditions:
TRMT10A-related disorder. Also called: TRMT10A-related condition.
Abnormality of the nervous system. Also called: Congenital nervous system disorder. Identifiers: MedGen C0497552, MONDO:0002320, HP:0000707.

Allele frequency attached by ClinVar (database versions not stated): gnomAD exomes below 0.00001; TOPMed below 0.00001.

Submissions (4):

Labcorp Genetics (formerly Invitae), Labcorp
Classification: Pathogenic. Last evaluated: 2025-12-04. Review status: criteria provided, single submitter. Criteria: Invitae Variant Classification Sherloc (09022015). Collection method: clinical testing. Allele origin: germline.
Comment: This sequence change creates a premature translational stop signal (p.Arg93*) in the TRMT10A gene. It is expected to result in an absent or disrupted protein product. Loss-of-function variants in TRMT10A are known to be pathogenic (PMID: 24204302, 26535115). This variant is present in population databases (no rsID available, gnomAD 0.0009%). This premature translational stop signal has been observed in individual(s) with TRMT10A-related conditions (PMID: 26535115). ClinVar contains an entry for this variant (Variation ID: 1033142). Algorithms developed to predict the effect of sequence changes on RNA splicing suggest that this variant may disrupt the consensus splice site. For these reasons, this variant has been classified as Pathogenic.

GeneDx
Classification: Pathogenic. Last evaluated: 2023-04-19. Review status: criteria provided, single submitter. Criteria: GeneDx Variant Classification Process June 2021. Collection method: clinical testing. Allele origin: germline. Affected: yes.
Comment: Nonsense variant predicted to result in protein truncation or nonsense mediated decay in a gene for which loss of function is a known mechanism of disease; Not observed at significant frequency in large population cohorts (gnomAD); This variant is associated with the following publications: (PMID: 26535115)

Kariminejad - Najmabadi Pathology & Genetics Center
Classification: Likely pathogenic for Abnormality of the nervous system. Last evaluated: 2021-07-10. Review status: criteria provided, single submitter. Criteria: ACMG Guidelines, 2015. Collection method: clinical testing. Allele origin: germline. Affected: yes.

Blueprint Genetics
Classification: Likely pathogenic for TRMT10A-related disorders. Last evaluated: 2020-05-26. Review status: criteria provided, single submitter. Criteria: ACMG Guidelines, 2015. Collection method: clinical testing. Allele origin: germline. Affected: yes. Observed: 1 variant allele.

Literature cited by the submitters: PubMed 24204302 (cited by Labcorp Genetics (formerly Invitae), Labcorp); PubMed 26535115 (cited by Labcorp Genetics (formerly Invitae), Labcorp).

NM_001134665.3(TRMT10A):c.277C>T (p.Arg93Ter)

Gene: TRMT10A (tRNA methyltransferase 10A; minus strand). Cytogenetic location: 4q23.
Variant type: single nucleotide variant.
Coding change: c.277C>T on transcript NM_001134665.3 (MANE Select); coding-DNA position 277, C replaced by T.
Protein change: p.Arg93Ter; replaces arginine 93 with a stop codon.
Molecular consequence: nonsense.
Genome position (GRCh38, 1-based): chr4:99,558,120, G>A on the plus strand (C>T on the coding strand, the complement: TRMT10A is on the minus strand). VCF-style: chr4-99558120-G-A. GRCh37 (hg19) VCF-style: chr4-100479277-G-A.
Other names: c.277C>T, p.Arg93Ter (NM_001134666.3, NM_001375880.1, NM_001375881.1 and 2 more transcripts); short protein forms R93*.
Identifiers: ClinVar variation 1033142 (VCV001033142.8), dbSNP rs1314619609, ClinGen allele CA357512204.
Genomic context (GRCh38, chr4:99,558,120, plus strand): 5'-TCAAGTGATCAAAACTACAGTCAATAATAAGGCGAAGGGTGCTATGAACAACATCTCTTC[G>A]AACACGTTTTCTGTCATGTCCATCTGAGTTTGGTTCCATTTGACATTGTCGCTCTAATTT-3'